The following is an entry in ClinVar:

ClinVar aggregate classification (germline): Uncertain significance. Review status: criteria provided, multiple submitters, no conflicts (2 of 4 stars). 2 submissions from 2 submitters: Uncertain significance (2). Last evaluated 2024-04-27.

Conditions:
Inborn genetic diseases. Identifiers: MedGen C0950123, MeSH D030342.
Complex neurodevelopmental disorder. Identifiers: Orphanet 528084, MedGen C5568766, MONDO:0100038.

Submissions (2):

Ambry Genetics
Classification: Uncertain significance for Inborn genetic diseases. Last evaluated: 2024-04-27. Review status: criteria provided, single submitter. Criteria: Ambry Variant Classification Scheme 2023. Collection method: clinical testing. Allele origin: germline.

Genetics and Molecular Pathology, SA Pathology
Classification: Uncertain significance for Complex neurodevelopmental disorder. Last evaluated: 2021-03-25. Review status: criteria provided, single submitter. Criteria: ACMG Guidelines, 2015. Collection method: clinical testing. Allele origin: germline. Inheritance: Autosomal dominant inheritance. Affected: yes.
Comment: The NCKAP1 gene encodes a protein which is required for neuronal differentiation. Pathogenic loss-of-function variants in the NCKAP1 gene have been associated with a neurodevelopmental disorder with core features of autism and intellectual disability (PMID: 33157009, PMID:28940097). Whilst missense variants in NCKAP1 have also been identified in patients with a similar phenotype, they have only been classified as variants of uncertain significance due to a lack of abnormal protein localisation in protein localisation studies (PMID: 33157009). Variant Information The NCKAP1 c.1291G>C variant is classified as a VARIANT OF UNCERTAIN SIGNIFICANCE (PM2) The NCKAP1 c.1291G>C variant is a single nucleotide change in exon 14 of the NCKAP1 gene, which is predicted to change the amino acid valine at position 431 in the protein to leucine. This variant has been reported in dbSNP (rs750171376) but is rare in population databases (gnomAD allele frequency = 0.00040%; 1 het and 0 hom in 251346 sequenced alleles) (PM2). This variant has not been reported in the ClinVar or HGMD disease databases. Computational predictions are equivocal.

Literature cited by the submitters: PubMed 28940097 (cited by Genetics and Molecular Pathology, SA Pathology); PubMed 33157009 (cited by Genetics and Molecular Pathology, SA Pathology).

NM_013436.5(NCKAP1):c.1291G>C (p.Val431Leu)

Gene: NCKAP1 (NCK associated protein 1; minus strand). Cytogenetic location: 2q32.1.
Variant type: single nucleotide variant.
Coding change: c.1291G>C on transcript NM_013436.5 (MANE Select); coding-DNA position 1291, G replaced by C.
Protein change: p.Val431Leu; replaces valine 431 with leucine.
Molecular consequence: missense variant.
Genome position (GRCh38, 1-based): chr2:182,981,294, C>G on the plus strand (G>C on the coding strand, the complement: NCKAP1 is on the minus strand). VCF-style: chr2-182981294-C-G. GRCh37 (hg19) VCF-style: chr2-183846022-C-G.
Other names: c.1309G>C, p.Val437Leu (NM_205842.3); c.1309G>C (NM_205842.1); short protein forms V431L, V437L.
Identifiers: ClinVar variation 2664787 (VCV002664787.2), dbSNP rs750171376, ClinGen allele CA349752136.